The following is an entry in ClinVar:

ClinVar aggregate classification (germline): Uncertain significance (1 of 4 stars; one submission).

gnomAD v4.1: 1 of 1,613,276 alleles (0.000062%); highest among the groups gnomAD compares: Admixed American, 0.0017%; no homozygotes.

Submission:

Labcorp Genetics (formerly Invitae), Labcorp
Classification: Uncertain significance. Last evaluated: 2021-09-24. Review status: criteria provided, single submitter. Criteria: Invitae Variant Classification Sherloc (09022015). Collection method: clinical testing. Allele origin: germline.
Comment: This sequence change replaces threonine with isoleucine at codon 940 of the PRPF6 protein (p.Thr940Ile). The threonine residue is moderately conserved and there is a moderate physicochemical difference between threonine and isoleucine. This variant is not present in population databases (ExAC no frequency). This missense change has been observed in individual(s) with clinical features of retinitis pigmentosa (Invitae). Algorithms developed to predict the effect of missense changes on protein structure and function (SIFT, PolyPhen-2, Align-GVGD) all suggest that this variant is likely to be tolerated. In summary, the available evidence is currently insufficient to determine the role of this variant in disease. Therefore, it has been classified as a Variant of Uncertain Significance.

NM_012469.4(PRPF6):c.2819C>T (p.Thr940Ile)

Gene: PRPF6 (pre-mRNA processing factor 6; plus strand). Cytogenetic location: 20q13.33.
Variant type: single nucleotide variant.
Coding change: c.2819C>T on transcript NM_012469.4 (MANE Select); coding-DNA position 2819, C replaced by T.
Protein change: p.Thr940Ile; replaces threonine 940 with isoleucine.
Molecular consequence: missense variant.
Genome position (GRCh38, 1-based): chr20:64,032,986, C>T. VCF-style: chr20-64032986-C-T. GRCh37 (hg19) VCF-style: chr20-62664339-C-T.
Other names: short protein forms T940I.
Identifiers: ClinVar variation 1382868 (VCV001382868.6), dbSNP rs1555921755, ClinGen allele CA409748470.